The following is an entry in ClinVar:

ClinVar aggregate classification (germline): Pathogenic (1 of 4 stars; one submission).

Conditions:
Hereditary breast ovarian cancer syndrome. Also called: Hereditary breast and ovarian cancer syndrome; Hereditary breast and/or ovarian cancer syndrome; Hereditary breast and ovarian cancer syndrome (HBOC); Hereditary breast and ovarian cancer; Breast and ovarian cancer; BRCA1- and BRCA2-Associated Hereditary Breast and Ovarian Cancer. Identifiers: Orphanet 145, MedGen C0677776, MeSH D061325, MONDO:0003582. Disease mechanism: loss of function.

Submission:

Women's Health and Genetics/Laboratory Corporation of America, LabCorp
Classification: Pathogenic for Hereditary breast and ovarian cancer syndrome. Last evaluated: 2020-08-05. Review status: criteria provided, single submitter. Criteria: LabCorp Variant Classification Summary - May 2015. Collection method: clinical testing. Allele origin: germline.
Comment: Variant summary: The variant identified by MLPA or other technology involves the deletion of exon 2 in the BRCA1 gene. A presumed nomenclature of c.(-20+1_-19-1)_(80+1_81-1)del has been designated for the purposes of this classification. Although exact breakpoints of this deletion are not known, it is expected to result in a large deletion change in the BRCA1 gene, including the removal of the start codon, a known mechanism of disease. The variant was absent in 21694 control chromosomes (gnomAD, Structural Variants dataset). c.(-20+1_-19-1)_(80+1_81-1)del has been reported in the literature in multiple individuals and families affected with Hereditary Breast and Ovarian Cancer Syndrome (Ramus_2007, Cherbal_2010, Meisel_2017, Rebbeck_2018). These data indicate that the variant is very likely to be associated with disease. To our knowledge, no experimental evidence demonstrating an impact on protein function has been reported. Two clinical diagnostic laboratories have submitted clinical-significance assessments for this variant to ClinVar after 2014 without evidence for independent evaluation, and both of them classified the variant as pathogenic. Based on the evidence outlined above, the variant was classified as pathogenic.

Literature cited by the submitters: PubMed 20683152; PubMed 28324225; PubMed 29446198; PubMed 19383375.

NC_000017.11:g.(43115780_43124016)_(43124116_43125270)del

Gene: BRCA1 (BRCA1 DNA repair associated; minus strand). Cytogenetic location: 17q21.31.
Variant type: Deletion.
Identifiers: ClinVar variation 981967 (VCV000981967.1).